The following is an entry in ClinVar:

ClinVar aggregate classification (germline): Pathogenic (1 of 4 stars; one submission).

Conditions:
Landau-Kleffner syndrome (FESD). Also called: EPILEPSY, FOCAL, WITH SPEECH DISORDER AND WITH OR WITHOUT MENTAL RETARDATION; APHASIA, ACQUIRED, WITH EPILEPSY. Identifiers: Orphanet 1945, Orphanet 725, Orphanet 98818, MedGen C0282512, MONDO:0009509, OMIM 245570.

Submission:

Institute of Human Genetics, University of Leipzig Medical Center
Classification: Pathogenic for Landau-Kleffner syndrome. Last evaluated: 2024-12-03. Review status: criteria provided, single submitter. Criteria: ACMG Guidelines, 2015. Collection method: clinical testing. Allele origin: unknown. Inheritance: Autosomal dominant inheritance. Affected: yes.
Comment: Criteria applied: PVS1,PM2

NM_001134407.3(GRIN2A):c.154C>T (p.Arg52Ter)

Gene: GRIN2A (glutamate ionotropic receptor NMDA type subunit 2A; minus strand). Cytogenetic location: 16p13.2.
Variant type: single nucleotide variant.
Coding change: c.154C>T on transcript NM_001134407.3 (MANE Select); coding-DNA position 154, C replaced by T.
Protein change: p.Arg52Ter; replaces arginine 52 with a stop codon.
Molecular consequence: nonsense.
Genome position (GRCh38, 1-based): chr16:10,180,258, G>A on the plus strand (C>T on the coding strand, the complement: GRIN2A is on the minus strand). VCF-style: chr16-10180258-G-A. GRCh37 (hg19) VCF-style: chr16-10274115-G-A.
Other names: c.154C>T, p.Arg52Ter (NM_000833.5, NM_001134408.2); short protein forms R52*.
Identifiers: ClinVar variation 3572880 (VCV003572880.2).